The following is an entry in ClinVar:

NM_001382241.1(TNPO2):c.2433C>A (p.Ile811=)

Genes: TNPO2 (transportin 2; minus strand), LOC126862859 (CDK7 strongly-dependent group 2 enhancer GRCh37_chr19:12811952-12813151; plus strand). Cytogenetic location: 19p13.13.
Variant type: single nucleotide variant.
Coding change: c.2433C>A on transcript NM_001382241.1 (MANE Select); coding-DNA position 2433, C replaced by A.
Protein change: p.Ile811=; no amino-acid change (isoleucine 811 retained).
Molecular consequence: synonymous variant. On other transcripts: non-coding transcript variant (6).
Genome position (GRCh38, 1-based): chr19:12,701,830, G>T on the plus strand (C>A on the coding strand, the complement: TNPO2 is on the minus strand). VCF-style: chr19-12701830-G-T. GRCh37 (hg19) VCF-style: chr19-12812644-G-T.
Other names: c.2403C>A, p.Ile801= (NM_001136195.2, NM_001382236.1, NM_001382237.1 and 3 more transcripts); c.2433C>A, p.Ile811= (NM_001136196.2, NM_001382240.1, NM_001382242.1); c.2397C>A, p.Ile799= (NM_001382243.1).
Identifiers: ClinVar variation 4981052 (VCV004981052.1).
Genomic context (GRCh38, chr19:12,701,830, plus strand): 5'-GTTGACACCGATCATCATGCAGATGCCGCGGAAGGCTGAGTCCTTCTCCTCGTTGTCCCT[G>T]ATGTTCCTGAGGGACGTGCACCTGTGGGAAGGTGAGCAGCTGGAGGTCAGAGGGCAGGCT-3'
Protein context (NP_001369170.1, residues 801-821): IRPWCTSLRN[Ile811=]RDNEEKDSAF

ClinVar aggregate classification (germline): Likely benign (1 of 4 stars; one submission).

Conditions:
TNPO2-related disorder. Also called: TNPO2-related condition.

gnomAD v4.1: 274 of 1,613,306 alleles (0.017%); highest among the groups gnomAD compares: African/African-American, 0.28%; no homozygotes.

Submission:

PreventionGenetics, part of Exact Sciences
Classification: Likely benign for TNPO2-related condition. Last evaluated: 2025-02-25. Review status: criteria provided, single submitter. Criteria: ACMG Guidelines, 2015. Collection method: clinical testing. Allele origin: germline.
Comment: This variant is classified as likely benign based on ACMG/AMP sequence variant interpretation guidelines (Richards et al. 2015 PMID: 25741868, with internal and published modifications).